The following is an entry in ClinVar:

NM_003919.3(SGCE):c.904A>T (p.Lys302Ter)

Genes: CASD1 (CAS1 domain sialic acid O acetyltransferase 1; plus strand), SGCE (sarcoglycan epsilon; minus strand). Cytogenetic location: 7q21.3.
Variant type: single nucleotide variant.
Coding change: c.904A>T on transcript NM_003919.3 (MANE Select); coding-DNA position 904, A replaced by T.
Protein change: p.Lys302Ter; replaces lysine 302 with a stop codon.
Molecular consequence: nonsense.
Genome position (GRCh38, 1-based): chr7:94,600,779, T>A on the plus strand (A>T on the coding strand, the complement: SGCE is on the minus strand). VCF-style: chr7-94600779-T-A. GRCh37 (hg19) VCF-style: chr7-94230091-T-A.
Other names: c.781A>T, p.Lys261Ter (NM_001301139.2, NM_001362809.2); c.1012A>T, p.Lys338Ter (NM_001346713.2, NM_001346715.2); c.904A>T, p.Lys302Ter (NM_001346717.2, NM_001099400.2, NM_001099401.2); c.817A>T, p.Lys273Ter (NM_001346719.2, NM_001362807.2); c.631A>T, p.Lys211Ter (NM_001346720.2, NM_001362808.2); short protein forms K211*, K261*, K273*, K302*, K338*.
Identifiers: ClinVar variation 4084970 (VCV004084970.8).

ClinVar aggregate classification (germline): Pathogenic (1 of 4 stars; one submission).

Submission:

CeGaT Center for Human Genetics Tuebingen
Classification: Pathogenic. Last evaluated: 2025-08-01. Review status: criteria provided, single submitter. Criteria: CeGaT Center For Human Genetics Tuebingen Variant Classification Criteria Version 2. Collection method: clinical testing. Allele origin: germline. Affected: yes. Observed: 1 variant allele.
Comment: SGCE: PVS1, PM2, PS4:Supporting